The following is an entry in ClinVar:

ClinVar aggregate classification (germline): Pathogenic (1 of 4 stars; one submission).

Conditions:
Telangiectasia, hereditary hemorrhagic, type 2 (HHT2). Also called: Telangiectasia, hereditary hemorrhagic, type II; ACVRL1-Related Hereditary Hemorrhagic Telangiectasia. Identifiers: Orphanet 774, MedGen C1838163, MONDO:0010880, OMIM 600376. Disease mechanism: loss of function.

Submission:

Seattle Children's Hospital Molecular Genetics Laboratory, Seattle Children's Hospital
Classification: Pathogenic for Telangiectasia, hereditary hemorrhagic, type 2. Review status: criteria provided, single submitter. Criteria: ACMG Guidelines, 2015. Collection method: clinical testing. Allele origin: germline. Affected: yes.
Comment: The ACVRL1 p.Thr52Glyfs*65 variant substitutes a threonine at amino acid position 52 with a glycine, followed by a premature termination codon after 65 residues. This is predicted to result in loss-of-function of the ACVRL1 protein. While this variant is absent from the medical literature and patient databases, loss-of-function of ACVRL1 is an established mechanism of disease in hereditary hemorrhagic telangiectasia (HHT, MIM: 600376). The p.Thr52Gly*65 variant is absent from large population studies (gnomAD v2.1.1).

NM_000020.3(ACVRL1):c.154_169del (p.Thr52fs)

Gene: ACVRL1 (activin A receptor like type 1; plus strand). Cytogenetic location: 12q13.13.
Variant type: Deletion.
Coding change: c.154_169del on transcript NM_000020.3 (MANE Select); coding-DNA positions 154 to 169, 16 bases deleted (ACAGTAGTGCTGGTGC).
Protein change: p.Thr52fs; shifts the reading frame from threonine 52.
Molecular consequence: frameshift variant. On other transcripts: intron variant (1).
Genome position (GRCh38, 1-based): chr12:51,913,191-51,913,206, ACAGTAGTGCTGGTGC deleted; deleting any 16 consecutive bases within chr12:51,913,184-51,913,206 gives the same sequence; the c. name uses the placement nearest the transcript's 3' end. VCF-style (leftmost placement, unchanged base first): chr12-51913183-CCTGGTGCACAGTAGTG-C. GRCh37 (hg19) VCF-style: chr12-52306967-CCTGGTGCACAGTAGTG-C.
Other names: c.154_169del, p.Thr52fs (NM_001077401.2, NM_001406487.1, NM_001406488.1 and 6 more transcripts); c.61+656_61+671del (NM_001406495.1); short protein forms T52fs.
Identifiers: ClinVar variation 3340443 (VCV003340443.1).